The following is an entry in ClinVar:

ClinVar aggregate classification (germline): Pathogenic (1 of 4 stars; one submission).

Conditions:
Nephronophthisis. Also called: Juvenile Nephronophthisis. Identifiers: Orphanet 655, MedGen C0687120, MONDO:0019005, HP:0000090.

Submission:

Labcorp Genetics (formerly Invitae), Labcorp
Classification: Pathogenic for Nephronophthisis. Last evaluated: 2026-01-25. Review status: criteria provided, single submitter. Criteria: Invitae Variant Classification Sherloc (09022015). Collection method: clinical testing. Allele origin: germline.
Comment: This sequence change creates a premature translational stop signal (p.Ser746*) in the NPHP3 gene. It is expected to result in an absent or disrupted protein product. Loss-of-function variants in NPHP3 are known to be pathogenic (PMID: 18371931, 23559409). This variant is not present in population databases (gnomAD no frequency). This variant has not been reported in the literature in individuals affected with NPHP3-related conditions. Algorithms developed to predict the effect of sequence changes on RNA splicing suggest that this variant may disrupt the consensus splice site. For these reasons, this variant has been classified as Pathogenic.

Literature cited by the submitters: PubMed 18371931; PubMed 23559409.

NM_153240.5(NPHP3):c.2237C>G (p.Ser746Ter)

Genes: NPHP3 (nephrocystin 3; minus strand), NPHP3-ACAD11 (NPHP3-ACAD11 readthrough (NMD candidate); minus strand). Cytogenetic location: 3q22.1.
Variant type: single nucleotide variant.
Coding change: c.2237C>G on transcript NM_153240.5 (MANE Select); coding-DNA position 2237, C replaced by G.
Protein change: p.Ser746Ter; replaces serine 746 with a stop codon.
Molecular consequence: nonsense. On other transcripts: non-coding transcript variant (1).
Genome position (GRCh38, 1-based): chr3:132,694,900, G>C on the plus strand (C>G on the coding strand, the complement: NPHP3 is on the minus strand). VCF-style: chr3-132694900-G-C. GRCh37 (hg19) VCF-style: chr3-132413744-G-C.
Other names: short protein forms S746*.
Identifiers: ClinVar variation 4808992 (VCV004808992.1).